The following is an entry in ClinVar:

NM_170606.3(KMT2C):c.7986G>T (p.Leu2662Phe)

Gene: KMT2C (lysine methyltransferase 2C; minus strand). Cytogenetic location: 7q36.1.
Variant type: single nucleotide variant.
Coding change: c.7986G>T on transcript NM_170606.3 (MANE Select); coding-DNA position 7986, G replaced by T.
Protein change: p.Leu2662Phe; replaces leucine 2662 with phenylalanine.
Molecular consequence: missense variant.
Genome position (GRCh38, 1-based): chr7:152,177,467, C>A on the plus strand (G>T on the coding strand, the complement: KMT2C is on the minus strand). VCF-style: chr7-152177467-C-A. GRCh37 (hg19) VCF-style: chr7-151874552-C-A.
Other names: short protein forms L2662F.
Identifiers: ClinVar variation 3350695 (VCV003350695.1).

ClinVar aggregate classification (germline): Uncertain significance (0 of 4 stars; one submission).

Conditions:
KMT2C-related disorder. Also called: KMT2C-related disorders; KMT2C-related condition.

gnomAD v4.1: 2 of 1,614,176 alleles (0.00012%); highest among the groups gnomAD compares: Non-Finnish European, 0.00017%; no homozygotes.

Submission:

PreventionGenetics, part of Exact Sciences
Classification: Uncertain significance for KMT2C-related condition. Last evaluated: 2024-03-19. Review status: no assertion criteria provided. Collection method: clinical testing. Allele origin: germline.
Comment: The KMT2C c.7986G>T variant is predicted to result in the amino acid substitution p.Leu2662Phe. To our knowledge, this variant has not been reported in the literature. This variant is reported in 0.00088% of alleles in individuals of European (Non-Finnish) descent in gnomAD. At this time, the clinical significance of this variant is uncertain due to the absence of conclusive functional and genetic evidence.